The following is an entry in ClinVar:

ClinVar aggregate classification (germline): Uncertain significance (1 of 4 stars; one submission).

Allele frequency attached by ClinVar (database versions not stated): gnomAD exomes below 0.00001.
gnomAD v4.1: 2 of 1,537,382 alleles (0.00013%); highest among the groups gnomAD compares: African/African-American, 0.0014%; no homozygotes.

Submission:

Labcorp Genetics (formerly Invitae), Labcorp
Classification: Uncertain significance. Last evaluated: 2021-05-27. Review status: criteria provided, single submitter. Criteria: Invitae Variant Classification Sherloc (09022015). Collection method: clinical testing. Allele origin: germline.
Comment: In summary, the available evidence is currently insufficient to determine the role of this variant in disease. Therefore, it has been classified as a Variant of Uncertain Significance. Advanced modeling of protein sequence and biophysical properties (such as structural, functional, and spatial information, amino acid conservation, physicochemical variation, residue mobility, and thermodynamic stability) performed at Invitae indicates that this missense variant is not expected to disrupt PIEZO2 protein function. This variant has not been reported in the literature in individuals with PIEZO2-related conditions. This variant is not present in population databases (ExAC no frequency). This sequence change replaces glutamic acid with lysine at codon 369 of the PIEZO2 protein (p.Glu369Lys). The glutamic acid residue is weakly conserved and there is a small physicochemical difference between glutamic acid and lysine.

NM_001378183.1(PIEZO2):c.1105G>A (p.Glu369Lys)

Gene: PIEZO2 (piezo type mechanosensitive ion channel component 2; minus strand). Cytogenetic location: 18p11.22.
Variant type: single nucleotide variant.
Coding change: c.1105G>A on transcript NM_001378183.1 (MANE Select); coding-DNA position 1105, G replaced by A.
Protein change: p.Glu369Lys; replaces glutamic acid 369 with lysine.
Molecular consequence: missense variant.
Genome position (GRCh38, 1-based): chr18:10,803,970, C>T on the plus strand (G>A on the coding strand, the complement: PIEZO2 is on the minus strand). VCF-style: chr18-10803970-C-T. GRCh37 (hg19) VCF-style: chr18-10803968-C-T.
Other names: c.1105G>A, p.Glu369Lys (NM_022068.4); short protein forms E369K.
Identifiers: ClinVar variation 1426155 (VCV001426155.8), dbSNP rs761882287, ClinGen allele CA401925922.